The following is an entry in ClinVar:

NM_007186.6(CEP250):c.5813G>T (p.Arg1938Leu)

Gene: CEP250 (centrosomal protein 250; plus strand). Cytogenetic location: 20q11.22.
Variant type: single nucleotide variant.
Coding change: c.5813G>T on transcript NM_007186.6 (MANE Select); coding-DNA position 5813, G replaced by T.
Protein change: p.Arg1938Leu; replaces arginine 1938 with leucine.
Molecular consequence: missense variant.
Genome position (GRCh38, 1-based): chr20:35,504,182, G>T. VCF-style: chr20-35504182-G-T. GRCh37 (hg19) VCF-style: chr20-34092010-G-T.
Other names: c.3917G>T, p.Arg1306Leu (NM_001318219.1); short protein forms R1938L, R1306L.
Identifiers: ClinVar variation 1386795 (VCV001386795.8), dbSNP rs767687865, ClinGen allele CA9833939.

ClinVar aggregate classification (germline): Uncertain significance (1 of 4 stars; one submission).

Allele frequency attached by ClinVar (database versions not stated): ExAC 0.00002.
gnomAD v4.1: 6 of 1,613,648 alleles (0.00037%); highest among the groups gnomAD compares: Admixed American, 0.0083%; no homozygotes.

Submission:

Labcorp Genetics (formerly Invitae), Labcorp
Classification: Uncertain significance. Last evaluated: 2022-06-20. Review status: criteria provided, single submitter. Criteria: Invitae Variant Classification Sherloc (09022015). Collection method: clinical testing. Allele origin: germline.
Comment: In summary, the available evidence is currently insufficient to determine the role of this variant in disease. Therefore, it has been classified as a Variant of Uncertain Significance. Algorithms developed to predict the effect of missense changes on protein structure and function are either unavailable or do not agree on the potential impact of this missense change (SIFT: "Not Available"; PolyPhen-2: "Possibly Damaging"; Align-GVGD: "Not Available"). This variant has not been reported in the literature in individuals affected with CEP250-related conditions. This variant is present in population databases (rs767687865, gnomAD 0.01%). This sequence change replaces arginine, which is basic and polar, with leucine, which is neutral and non-polar, at codon 1938 of the CEP250 protein (p.Arg1938Leu).